The following is an entry in ClinVar:

ClinVar aggregate classification (germline): Uncertain significance (1 of 4 stars; one submission).

Submission:

Women's Health and Genetics/Laboratory Corporation of America, LabCorp
Classification: Uncertain significance. Last evaluated: 2025-07-01. Review status: criteria provided, single submitter. Criteria: LabCorp Variant Classification Summary - May 2015. Collection method: clinical testing. Allele origin: germline.
Comment: Variant summary: VWF c.2387A>T (p.Asp796Val) results in a non-conservative amino acid change in the encoded protein sequence. Algorithms developed to predict the effect of missense changes on protein structure and function all suggest that this variant is likely to be disruptive. The variant was absent in 251406 control chromosomes. The available data on variant occurrences in the general population are insufficient to allow any conclusion about variant significance. To our knowledge, no occurrence of c.2387A>T in individuals affected with Von Willebrand Disease and no experimental evidence demonstrating its impact on protein function have been reported. The following publication have been ascertained in the context of this evaluation (PMID: 31558672). No submitters have cited clinical-significance assessments for this variant to ClinVar. Based on the evidence outlined above, the variant was classified as uncertain significance.

Literature cited by the submitters: PubMed 31558672.

NM_000552.5(VWF):c.2387A>T (p.Asp796Val)

Gene: VWF (von Willebrand factor; minus strand). Cytogenetic location: 12p13.31.
Variant type: single nucleotide variant.
Coding change: c.2387A>T on transcript NM_000552.5 (MANE Select); coding-DNA position 2387, A replaced by T.
Protein change: p.Asp796Val; replaces aspartic acid 796 with valine.
Molecular consequence: missense variant.
Genome position (GRCh38, 1-based): chr12:6,044,346, T>A on the plus strand (A>T on the coding strand, the complement: VWF is on the minus strand). VCF-style: chr12-6044346-T-A. GRCh37 (hg19) VCF-style: chr12-6153512-T-A.
Other names: short protein forms D796V.
Identifiers: ClinVar variation 3912005 (VCV003912005.2).
Genomic context (GRCh38, chr12:6,044,346, plus strand): 5'-CTCACCATGCCCGGGGGGCAGAGGCAGCCAGAGACACAGCCCATGCTCATGCACTCCAGG[T>A]CATAGTTCTGGCACGTTTTGGTACACTCGAGCCCTTCAGCCCGCAGGTTGTCAGCGGGAC-3'
Protein context (NP_000543.3, residues 786-806): LECTKTCQNY[Asp796Val]LECMSMGCVS